The following is an entry in ClinVar:

NM_007255.3(B4GALT7):c.895G>A (p.Ala299Thr)

Gene: B4GALT7 (beta-1,4-galactosyltransferase 7; plus strand). Cytogenetic location: 5q35.3.
Variant type: single nucleotide variant.
Coding change: c.895G>A on transcript NM_007255.3 (MANE Select); coding-DNA position 895, G replaced by A.
Protein change: p.Ala299Thr; replaces alanine 299 with threonine.
Molecular consequence: missense variant.
Genome position (GRCh38, 1-based): chr5:177,609,606, G>A. VCF-style: chr5-177609606-G-A. GRCh37 (hg19) VCF-style: chr5-177036607-G-A.
Other names: short protein forms A299T.
Identifiers: ClinVar variation 1409332 (VCV001409332.3), dbSNP rs771646034, ClinGen allele CA3586734.

ClinVar aggregate classification (germline): Uncertain significance (1 of 4 stars; one submission).

Conditions:
Spondylodysplastic Ehlers-Danlos syndrome. Identifiers: Orphanet 536471, Orphanet 75496, MedGen C5680154, MONDO:0007526.

Allele frequency attached by ClinVar (database versions not stated): gnomAD 0.00001; gnomAD exomes 0.00001; TOPMed 0.00001; ExAC 0.00002.
gnomAD v4.1: 4 of 1,613,876 alleles (0.00025%); highest among the groups gnomAD compares: East Asian, 0.0089%; no homozygotes.

Submission:

Labcorp Genetics (formerly Invitae), Labcorp
Classification: Uncertain significance for Spondylodysplastic Ehlers-Danlos syndrome. Last evaluated: 2022-05-24. Review status: criteria provided, single submitter. Criteria: Invitae Variant Classification Sherloc (09022015). Collection method: clinical testing. Allele origin: germline.
Comment: This sequence change replaces alanine, which is neutral and non-polar, with threonine, which is neutral and polar, at codon 299 of the B4GALT7 protein (p.Ala299Thr). This variant is present in population databases (rs771646034, gnomAD 0.02%). This variant has not been reported in the literature in individuals affected with B4GALT7-related conditions. Algorithms developed to predict the effect of missense changes on protein structure and function output the following: SIFT: "Tolerated"; PolyPhen-2: "Benign"; Align-GVGD: "Class C0". The threonine amino acid residue is found in multiple mammalian species, which suggests that this missense change does not adversely affect protein function. In summary, the available evidence is currently insufficient to determine the role of this variant in disease. Therefore, it has been classified as a Variant of Uncertain Significance.